The following is an entry in ClinVar:

ClinVar aggregate classification (germline): Uncertain significance (1 of 4 stars; one submission).

Conditions:
Inborn genetic diseases. Identifiers: MedGen C0950123, MeSH D030342.

Submission:

Ambry Genetics
Classification: Uncertain significance for Inborn genetic diseases. Last evaluated: 2026-08-10. Review status: criteria provided, single submitter. Criteria: Ambry Variant Classification Scheme 2023. Collection method: clinical testing. Allele origin: germline.
Comment: The p.P156A variant (also known as c.466C>G), located in coding exon 2 of the LTBP3 gene, results from a C to G substitution at nucleotide position 466. The proline at codon 156 is replaced by alanine, an amino acid with highly similar properties. This amino acid position is conserved. In addition, this alteration is predicted to be tolerated by in silico analysis. Based on the available evidence, the clinical significance of this variant remains unclear.

NM_001130144.3(LTBP3):c.466C>G (p.Pro156Ala)

Gene: LTBP3 (latent transforming growth factor beta binding protein 3; minus strand). Cytogenetic location: 11q13.1.
Variant type: single nucleotide variant.
Coding change: c.466C>G on transcript NM_001130144.3 (MANE Select); coding-DNA position 466, C replaced by G.
Protein change: p.Pro156Ala; replaces proline 156 with alanine.
Molecular consequence: missense variant.
Genome position (GRCh38, 1-based): chr11:65,554,246, G>C on the plus strand (C>G on the coding strand, the complement: LTBP3 is on the minus strand). VCF-style: chr11-65554246-G-C. GRCh37 (hg19) VCF-style: chr11-65321717-G-C.
Other names: c.115C>G, p.Pro39Ala (NM_001164266.1); c.466C>G, p.Pro156Ala (NM_021070.4); short protein forms P156A, P39A.
Identifiers: ClinVar variation 5023714 (VCV005023714.1).